The following is an entry in ClinVar:

NM_174934.4(SCN4B):c.234+1G>A

Gene: SCN4B (sodium voltage-gated channel beta subunit 4; minus strand). Cytogenetic location: 11q23.3.
Variant type: single nucleotide variant.
Coding change: c.234+1G>A on transcript NM_174934.4 (MANE Select); the canonical splice donor site of the intron after coding-DNA position 234, G replaced by A.
Molecular consequence: splice donor variant. On other transcripts: intron variant (1).
Genome position (GRCh38, 1-based): chr11:118,145,056, C>T on the plus strand (G>A on the coding strand, the complement: SCN4B is on the minus strand). VCF-style: chr11-118145056-C-T. GRCh37 (hg19) VCF-style: chr11-118015771-C-T.
Other names: c.62-3720G>A (NM_001142348.2); c.-97+1G>A (NM_001142349.2); c.234+1G>A (NM_174934.3).
Identifiers: ClinVar variation 1414065 (VCV001414065.9), dbSNP rs1341627207, ClinGen allele CA382778476.

ClinVar aggregate classification (germline): Uncertain significance. Review status: criteria provided, multiple submitters, no conflicts (2 of 4 stars). 3 submissions from 3 submitters: Uncertain significance (3). Last evaluated 2023-03-31.

Conditions:
Long QT syndrome 10 (LQT10). Identifiers: Orphanet 101016, Orphanet 768, MedGen C2678484, MONDO:0012737, OMIM 611819.
Cardiovascular phenotype. Identifiers: MedGen CN230736.

Submissions (3):

Ambry Genetics
Classification: Uncertain significance for Cardiovascular phenotype. Last evaluated: 2023-03-31. Review status: criteria provided, single submitter. Criteria: Ambry Variant Classification Scheme 2023. Collection method: clinical testing. Allele origin: germline.
Comment: The c.234+1G>A intronic variant results from a G to A substitution one nucleotide after coding exon 2 of the SCN4B gene. This nucleotide position is highly conserved in available vertebrate species. In silico splice site analysis predicts that this alteration will weaken the native splice donor site. Alterations that disrupt the canonical splice site are expected to cause aberrant splicing, resulting in an abnormal protein or a transcript that is subject to nonsense-mediated mRNA decay. However, the evidence for this gene-disease relationship is limited; therefore, the clinical significance of this alteration is unclear.

Labcorp Genetics (formerly Invitae), Labcorp
Classification: Uncertain significance for Long QT syndrome 10. Last evaluated: 2022-09-27. Review status: criteria provided, single submitter. Criteria: Invitae Variant Classification Sherloc (09022015). Collection method: clinical testing. Allele origin: germline.
Comment: In summary, the available evidence is currently insufficient to determine the role of this variant in disease. Therefore, it has been classified as a Variant of Uncertain Significance. Algorithms developed to predict the effect of sequence changes on RNA splicing suggest that this variant may disrupt the consensus splice site. ClinVar contains an entry for this variant (Variation ID: 1414065). This variant has not been reported in the literature in individuals affected with SCN4B-related conditions. This variant is not present in population databases (gnomAD no frequency). This sequence change affects a donor splice site in intron 2 of the SCN4B gene. It is expected to disrupt RNA splicing. Variants that disrupt the donor or acceptor splice site typically lead to a loss of protein function (PMID: 16199547), however the current clinical and genetic evidence is not sufficient to establish whether loss-of-function variants in SCN4B cause disease.

Fulgent Genetics
Classification: Uncertain significance for Long QT syndrome 10. Last evaluated: 2021-10-20. Review status: criteria provided, single submitter. Criteria: ACMG Guidelines, 2015. Collection method: clinical testing. Allele origin: unknown.

Literature cited by the submitters: PubMed 16199547 (cited by Labcorp Genetics (formerly Invitae), Labcorp).